The following is an entry in ClinVar:

ClinVar aggregate classification (germline): Likely pathogenic. Review status: criteria provided, multiple submitters, no conflicts (2 of 4 stars). 4 submissions from 4 submitters: Likely pathogenic (4). Last evaluated 2026-02-20.

Conditions:
CFTR-related disorder (CFTR-RD). Also called: CFTR-related condition; CFTR-related disorders. Identifiers: MedGen C5924204, MONDO:7770004.
Cystic fibrosis (CF). Also called: MUCOVISCIDOSIS. Identifiers: Orphanet 586, MedGen C0010674, MONDO:0009061, OMIM 219700. Disease mechanism: loss of function.
Bronchiectasis with or without elevated sweat chloride 1 (BESC1). Also called: Cystic Fibrosis-Like Syndrome. Identifiers: Orphanet 60033, MedGen C2749757, MONDO:0008887, OMIM 211400.

Submissions (4):

Women's Health and Genetics/Laboratory Corporation of America, LabCorp
Classification: Likely pathogenic for Cystic fibrosis. Last evaluated: 2026-02-20. Review status: criteria provided, single submitter. Criteria: LabCorp Variant Classification Summary - May 2015. Collection method: clinical testing. Allele origin: germline.
Comment: Variant summary: CFTR c.3134C>A (p.Ser1045Tyr) results in a non-conservative amino acid change located in the second transmembrane domain (IPR011527) of the encoded protein sequence. Algorithms developed to predict the effect of missense changes on protein structure and function all suggest that this variant is likely to be disruptive. The variant was absent in 250734 control chromosomes (gnomAD). c.3134C>A has been observed in homozygous and compound heterozygous state in individuals affected with Cystic Fibrosis (e.g. Rana-Diez_2008, Arora_2016, GarciaDiaz_2025). These data indicate that the variant is likely to be associated with disease. Publications also reported experimental evidence evaluating an impact on protein function. The most pronounced variant effect results in ~15% of normal activity (e.g. Arora_2016, Bihler_2024). The following publications have been ascertained in the context of this evaluation (PMID: 27261451, 18676185, 38388235, 40219783). ClinVar contains an entry for this variant (Variation ID: 917606). Based on the evidence outlined above, the variant was classified as likely pathogenic.

Natera, Inc.
Classification: Likely pathogenic for CFTR-related disorders. Last evaluated: 2025-06-11. Review status: criteria provided, single submitter. Criteria: Natera Variant Classification Schema (03/2026). Collection method: clinical testing. Allele origin: germline.
Comment: The c.3134C>A variant in CFTR is a missense variant predicted to cause substitution of serine to tyrosine at amino acid 1045. This variant is rare in the general population with a frequency below the threshold expected for the associated phenotype(s). This variant has been observed in one or more individuals affected with the associated recessive disease, as either homozygous or compound heterozygous with a second variant (PMID: 18676185, 27261451). Functional studies show that this variant may disrupt protein function (PMID: 38388235). Computational prediction algorithms indicate this variant is likely to affect gene or protein function. Given the available evidence, this variant is classified as Likely Pathogenic.

Baylor Genetics
Classification: Likely pathogenic for Bronchiectasis with or without elevated sweat chloride 1. Last evaluated: 2023-08-03. Review status: criteria provided, single submitter. Criteria: ACMG Guidelines, 2015. Collection method: clinical testing. Allele origin: unknown.

Institute of Human Genetics, University of Leipzig Medical Center
Classification: Likely pathogenic for Cystic fibrosis. Last evaluated: 2022-09-05. Review status: criteria provided, single submitter. Criteria: ACMG Guidelines, 2015. Collection method: curation. Allele origin: unknown. Affected: yes. Observed: 1 variant allele.
Comment: The variant was classified in the context of a project re-classifying variants in the German Cystic Fibrosis Registry (Muko.e.V.). Criteria applied: PS3_MOD, PM3, PM2_SUP, PP3

Literature cited by the submitters: PubMed 18676185 (cited by Women's Health and Genetics/Laboratory Corporation of America, LabCorp and Natera, Inc.); PubMed 27261451 (cited by Women's Health and Genetics/Laboratory Corporation of America, LabCorp and Natera, Inc.); PubMed 38388235 (cited by Women's Health and Genetics/Laboratory Corporation of America, LabCorp and Natera, Inc.); PubMed 40219783 (cited by Women's Health and Genetics/Laboratory Corporation of America, LabCorp).

NM_000492.4(CFTR):c.3134C>A (p.Ser1045Tyr)

Genes: CFTR-AS2 (CFTR antisense RNA 2; minus strand), CFTR (CF transmembrane conductance regulator; plus strand), LOC111674472 (DNase I hypersensitive sites in introns 16 and 17a of CFTR; plus strand). Cytogenetic location: 7q31.2.
Variant type: single nucleotide variant.
Coding change: c.3134C>A on transcript NM_000492.4 (MANE Select); coding-DNA position 3134, C replaced by A.
Protein change: p.Ser1045Tyr; replaces serine 1045 with tyrosine.
Molecular consequence: missense variant.
Genome position (GRCh38, 1-based): chr7:117,610,664, C>A. VCF-style: chr7-117610664-C-A. GRCh37 (hg19) VCF-style: chr7-117250718-C-A.
Other names: short protein forms S1045Y.
Identifiers: ClinVar variation 917606 (VCV000917606.7), dbSNP rs1584821736, ClinGen allele CA368990854.